The following is an entry in ClinVar:

NM_014989.7(RIMS1):c.1523C>T (p.Ser508Leu)

Gene: RIMS1 (regulating synaptic membrane exocytosis 1; plus strand). Cytogenetic location: 6q13.
Variant type: single nucleotide variant.
Coding change: c.1523C>T on transcript NM_014989.7 (MANE Select); coding-DNA position 1523, C replaced by T.
Protein change: p.Ser508Leu; replaces serine 508 with leucine.
Molecular consequence: missense variant.
Genome position (GRCh38, 1-based): chr6:72,182,994, C>T. VCF-style: chr6-72182994-C-T. GRCh37 (hg19) VCF-style: chr6-72892697-C-T.
Other names: short protein forms S508L.
Identifiers: ClinVar variation 3655580 (VCV003655580.2).

ClinVar aggregate classification (germline): Uncertain significance (1 of 4 stars; one submission).

gnomAD v4.1: 2 of 1,593,270 alleles (0.00013%); highest among the groups gnomAD compares: South Asian, 0.0011%; no homozygotes.

Submission:

Labcorp Genetics (formerly Invitae), Labcorp
Classification: Uncertain significance. Last evaluated: 2024-06-25. Review status: criteria provided, single submitter. Criteria: Invitae Variant Classification Sherloc (09022015). Collection method: clinical testing. Allele origin: germline.
Comment: This sequence change replaces serine, which is neutral and polar, with leucine, which is neutral and non-polar, at codon 508 of the RIMS1 protein (p.Ser508Leu). This variant is present in population databases (no rsID available, gnomAD 0.004%). This variant has not been reported in the literature in individuals affected with RIMS1-related conditions. An algorithm developed to predict the effect of missense changes on protein structure and function (PolyPhen-2) suggests that this variant is likely to be tolerated. In summary, the available evidence is currently insufficient to determine the role of this variant in disease. Therefore, it has been classified as a Variant of Uncertain Significance.